The following is an entry in ClinVar:

ClinVar aggregate classification (germline): Uncertain significance (1 of 4 stars; one submission).

Conditions:
Glycogen storage disease due to muscle beta-enolase deficiency (GSD13). Also called: ENOLASE 3 DEFICIENCY; ENOLASE-BETA DEFICIENCY; GSD XIII; Glycogen Storage Disease Type XIII. Identifiers: Orphanet 99849, MedGen C2752027, MONDO:0013046, OMIM 612932.

gnomAD v4.1: 1 of 1,614,038 alleles (0.000062%); highest among the groups gnomAD compares: African/African-American, 0.0013%; no homozygotes.

Submission:

Labcorp Genetics (formerly Invitae), Labcorp
Classification: Uncertain significance for Glycogen storage disease due to muscle beta-enolase deficiency. Last evaluated: 2022-02-11. Review status: criteria provided, single submitter. Criteria: Invitae Variant Classification Sherloc (09022015). Collection method: clinical testing. Allele origin: germline.
Comment: In summary, the available evidence is currently insufficient to determine the role of this variant in disease. Therefore, it has been classified as a Variant of Uncertain Significance. Algorithms developed to predict the effect of missense changes on protein structure and function are either unavailable or do not agree on the potential impact of this missense change (SIFT: "Deleterious"; PolyPhen-2: "Probably Damaging"; Align-GVGD: "Class C0"). This variant has not been reported in the literature in individuals affected with ENO3-related conditions. This variant is not present in population databases (gnomAD no frequency). This sequence change replaces alanine, which is neutral and non-polar, with threonine, which is neutral and polar, at codon 8 of the ENO3 protein (p.Ala8Thr).

NM_053013.4(ENO3):c.22G>A (p.Ala8Thr)

Gene: ENO3 (enolase 3; plus strand). Cytogenetic location: 17p13.2.
Variant type: single nucleotide variant.
Coding change: c.22G>A on transcript NM_053013.4 (MANE Select); coding-DNA position 22, G replaced by A.
Protein change: p.Ala8Thr; replaces alanine 8 with threonine.
Molecular consequence: missense variant.
Genome position (GRCh38, 1-based): chr17:4,951,851, G>A. VCF-style: chr17-4951851-G-A. GRCh37 (hg19) VCF-style: chr17-4855146-G-A.
Other names: c.22G>A, p.Ala8Thr (NM_001193503.2, NM_001374523.1, NM_001976.5); c.49G>A, p.Ala17Thr (NM_001374524.1); short protein forms A8T, A17T.
Identifiers: ClinVar variation 1950599 (VCV001950599.3), dbSNP rs377482714, ClinGen allele CA397281995.
Genomic context (GRCh38, chr17:4,951,851, plus strand): 5'-CAACTGTCTACACTCACTCACACCTCCTGTCCTGCAGCCATGGCCATGCAGAAAATCTTT[G>A]CCCGGGAAATCTTGGACTCCAGGGGCAACCCCACGGTGGAGGTGGACCTGCACACGGCCA-3'
Protein context (NP_443739.3, residues 1-18): MAMQKIF[Ala8Thr]REILDSRGNP